The following is an entry in ClinVar:

NM_000876.4(IGF2R):c.4347C>T (p.Gly1449=)

Gene: IGF2R (insulin like growth factor 2 receptor; plus strand). Cytogenetic location: 6q25.3.
Variant type: single nucleotide variant.
Coding change: c.4347C>T on transcript NM_000876.4 (MANE Select); coding-DNA position 4347, C replaced by T.
Protein change: p.Gly1449=; no amino-acid change (glycine 1449 retained).
Molecular consequence: synonymous variant.
Genome position (GRCh38, 1-based): chr6:160,069,962, C>T. VCF-style: chr6-160069962-C-T. GRCh37 (hg19) VCF-style: chr6-160490994-C-T.
Identifiers: ClinVar variation 2657106 (VCV002657106.24), dbSNP rs144723568, ClinGen allele CA4082580.
Genomic context (GRCh38, chr6:160,069,962, plus strand): 5'-GGGTGGCTCCAAGCCCGTGAACCTCGGCAGGGTAAGGGACGGACCTCAGTGGAGAGATGG[C>T]ATAATTGTCCTGAAATACGTTGATGGCGACTTATGTCCAGATGGGATTCGGAAAAAGTCA-3'
Protein context (NP_000867.3, residues 1439-1459): RVRDGPQWRD[Gly1449=]IIVLKYVDGD

ClinVar aggregate classification (germline): Likely benign (1 of 4 stars; one submission).

Allele frequency attached by ClinVar (database versions not stated): ExAC 0.00060; TOPMed 0.00083; ESP Exome Variant Server 0.00085; gnomAD 0.00088; gnomAD exomes 0.00166.
gnomAD v4.1: 2,608 of 1,614,172 alleles (0.16%); highest among the groups gnomAD compares: Non-Finnish European, 0.2%; 9 homozygotes.

Submission:

CeGaT Center for Human Genetics Tuebingen
Classification: Likely benign. Last evaluated: 2022-11-01. Review status: criteria provided, single submitter. Criteria: CeGaT Center For Human Genetics Tuebingen Variant Classification Criteria Version 2. Collection method: clinical testing. Allele origin: germline. Affected: yes. Observed: 2 variant alleles.
Comment: IGF2R: BP4, BP7